The following is an entry in ClinVar:

NM_005477.3(HCN4):c.1471G>C (p.Asp491His)

Gene: HCN4 (hyperpolarization activated cyclic nucleotide gated potassium channel 4; minus strand). Cytogenetic location: 15q24.1.
Variant type: single nucleotide variant.
Coding change: c.1471G>C on transcript NM_005477.3 (MANE Select); coding-DNA position 1471, G replaced by C.
Protein change: p.Asp491His; replaces aspartic acid 491 with histidine.
Molecular consequence: missense variant.
Genome position (GRCh38, 1-based): chr15:73,329,692, C>G on the plus strand (G>C on the coding strand, the complement: HCN4 is on the minus strand). VCF-style: chr15-73329692-C-G. GRCh37 (hg19) VCF-style: chr15-73622033-C-G.
Other names: short protein forms D491H.
Identifiers: ClinVar variation 666148 (VCV000666148.10), dbSNP rs1060500107, ClinGen allele CA393093803.

ClinVar aggregate classification (germline): Likely pathogenic (1 of 4 stars; one submission).

Conditions:
Brugada syndrome 8 (BRGDA8). Identifiers: Orphanet 130, MedGen C2751083, MONDO:0013148, OMIM 613123.

Submission:

Labcorp Genetics (formerly Invitae), Labcorp
Classification: Likely pathogenic for Brugada syndrome 8. Last evaluated: 2022-08-15. Review status: criteria provided, single submitter. Criteria: Invitae Variant Classification Sherloc (09022015). Collection method: clinical testing. Allele origin: germline.
Comment: This variant is not present in population databases (gnomAD no frequency). This sequence change replaces aspartic acid, which is acidic and polar, with histidine, which is basic and polar, at codon 491 of the HCN4 protein (p.Asp491His). This variant has not been reported in the literature in individuals affected with HCN4-related conditions. In summary, the currently available evidence indicates that the variant is pathogenic, but additional data are needed to prove that conclusively. Therefore, this variant has been classified as Likely Pathogenic. This variant disrupts the p.Asp491 amino acid residue in HCN4. Other variant(s) that disrupt this residue have been determined to be pathogenic (PMID: 30847666, 34088380; Invitae). This suggests that this residue is clinically significant, and that variants that disrupt this residue are likely to be disease-causing. Advanced modeling of protein sequence and biophysical properties (such as structural, functional, and spatial information, amino acid conservation, physicochemical variation, residue mobility, and thermodynamic stability) performed at Invitae indicates that this missense variant is expected to disrupt HCN4 protein function. ClinVar contains an entry for this variant (Variation ID: 666148).

Literature cited by the submitters: PubMed 30847666; PubMed 34088380.